The following is an entry in ClinVar:

NM_001044385.3(TMEM237):c.133C>T (p.Pro45Ser)

Gene: TMEM237 (transmembrane protein 237; minus strand). Cytogenetic location: 2q33.1.
Variant type: single nucleotide variant.
Coding change: c.133C>T on transcript NM_001044385.3 (MANE Select); coding-DNA position 133, C replaced by T.
Protein change: p.Pro45Ser; replaces proline 45 with serine.
Molecular consequence: missense variant.
Genome position (GRCh38, 1-based): chr2:201,638,992, G>A on the plus strand (C>T on the coding strand, the complement: TMEM237 is on the minus strand). VCF-style: chr2-201638992-G-A. GRCh37 (hg19) VCF-style: chr2-202503715-G-A.
Other names: c.109C>T, p.Pro37Ser (NM_152388.4); short protein forms P37S, P45S.
Identifiers: ClinVar variation 1478654 (VCV001478654.6), dbSNP rs1376540567, ClinGen allele CA350316083.

ClinVar aggregate classification (germline): Uncertain significance (1 of 4 stars; one submission).

Conditions:
Joubert syndrome 14 (JBTS14). Identifiers: MedGen C3280766, MONDO:0013745, OMIM 614424.

Allele frequency attached by ClinVar (database versions not stated): TOPMed below 0.00001.
gnomAD v4.1: 4 of 1,581,772 alleles (0.00025%); highest among the groups gnomAD compares: South Asian, 0.0012%; no homozygotes.

Submission:

Labcorp Genetics (formerly Invitae), Labcorp
Classification: Uncertain significance for Joubert syndrome 14. Last evaluated: 2021-11-25. Review status: criteria provided, single submitter. Criteria: Invitae Variant Classification Sherloc (09022015). Collection method: clinical testing. Allele origin: germline.
Comment: In summary, the available evidence is currently insufficient to determine the role of this variant in disease. Therefore, it has been classified as a Variant of Uncertain Significance. Algorithms developed to predict the effect of missense changes on protein structure and function (SIFT, PolyPhen-2, Align-GVGD) all suggest that this variant is likely to be tolerated. This variant has not been reported in the literature in individuals affected with TMEM237-related conditions. This variant is not present in population databases (gnomAD no frequency). This sequence change replaces proline, which is neutral and non-polar, with serine, which is neutral and polar, at codon 45 of the TMEM237 protein (p.Pro45Ser).